The following is an entry in ClinVar:

NM_001142864.4(PIEZO1):c.1782C>A (p.Ala594=)

Genes: HSALR1 (HSP90AB1 associated lncRNA 1; plus strand), PIEZO1 (piezo type mechanosensitive ion channel component 1 (Er blood group); minus strand). Cytogenetic location: 16q24.3.
Variant type: single nucleotide variant.
Coding change: c.1782C>A on transcript NM_001142864.4 (MANE Select); coding-DNA position 1782, C replaced by A.
Protein change: p.Ala594=; no amino-acid change (alanine 594 retained).
Molecular consequence: synonymous variant.
Genome position (GRCh38, 1-based): chr16:88,734,941, G>T on the plus strand (C>A on the coding strand, the complement: PIEZO1 is on the minus strand). VCF-style: chr16-88734941-G-T. GRCh37 (hg19) VCF-style: chr16-88801349-G-T.
Other names: c.327C>A, p.Ala109= (NM_014745.1).
Identifiers: ClinVar variation 3027237 (VCV003027237.22), dbSNP rs1052496251, ClinGen allele CA497367279.
Genomic context (GRCh38, chr16:88,734,941, plus strand): 5'-GAGGGTGAGGCAGAGCAGGAAGAGGAACATGTAGACAATCTTGTAGACCACGAGGCGGCC[G>T]GCGAAGCTGACCACGATGAACATGCCAGCACACACATAGATCCAGTACTTGGCGTACACG-3'
Protein context (NP_001136336.2, residues 584-604): CAGMFIVVSF[Ala594=]GRLVVYKIVY

ClinVar aggregate classification (germline): Likely benign (1 of 4 stars; one submission).

gnomAD v4.1: 1 of 1,550,468 alleles (0.000064%); highest among the groups gnomAD compares: Non-Finnish European, 0.000087%; no homozygotes.

Submission:

CeGaT Center for Human Genetics Tuebingen
Classification: Likely benign. Last evaluated: 2024-02-01. Review status: criteria provided, single submitter. Criteria: CeGaT Center For Human Genetics Tuebingen Variant Classification Criteria Version 2. Collection method: clinical testing. Allele origin: germline. Affected: yes. Observed: 1 variant allele.
Comment: PIEZO1: PM2:Supporting, BP4, BP7